The following is an entry in ClinVar:

ClinVar aggregate classification (germline): Uncertain significance (1 of 4 stars; one submission).

Allele frequency attached by ClinVar (database versions not stated): gnomAD exomes below 0.00001; TOPMed below 0.00001.
gnomAD v4.1: 1 of 1,608,836 alleles (0.000062%); highest among the groups gnomAD compares: Non-Finnish European, 0.000085%; no homozygotes.

Submission:

Labcorp Genetics (formerly Invitae), Labcorp
Classification: Uncertain significance. Last evaluated: 2024-04-22. Review status: criteria provided, single submitter. Criteria: Invitae Variant Classification Sherloc (09022015). Collection method: clinical testing. Allele origin: germline.
Comment: This sequence change affects codon 593 of the GATAD2B mRNA. It is a 'silent' change, meaning that it does not change the encoded amino acid sequence of the GATAD2B protein. This variant is not present in population databases (gnomAD no frequency). This variant has not been reported in the literature in individuals affected with GATAD2B-related conditions. ClinVar contains an entry for this variant (Variation ID: 2106662). Algorithms developed to predict the effect of sequence changes on RNA splicing suggest that this variant may create or strengthen a splice site. In summary, the available evidence is currently insufficient to determine the role of this variant in disease. Therefore, it has been classified as a Variant of Uncertain Significance.

NM_020699.4(GATAD2B):c.1779A>G (p.Lys593=)

Gene: GATAD2B (GATA zinc finger domain containing 2B; minus strand). Cytogenetic location: 1q21.3.
Variant type: single nucleotide variant.
Coding change: c.1779A>G on transcript NM_020699.4 (MANE Select); coding-DNA position 1779, A replaced by G.
Protein change: p.Lys593=; no amino-acid change (lysine 593 retained).
Molecular consequence: synonymous variant.
Genome position (GRCh38, 1-based): chr1:153,810,180, T>C on the plus strand (A>G on the coding strand, the complement: GATAD2B is on the minus strand). VCF-style: chr1-153810180-T-C. GRCh37 (hg19) VCF-style: chr1-153782656-T-C.
Identifiers: ClinVar variation 2106662 (VCV002106662.4), dbSNP rs1263254401, ClinGen allele CA420857692.